The following is an entry in ClinVar:

ClinVar aggregate classification (germline): Benign. Review status: criteria provided, multiple submitters, no conflicts (2 of 4 stars). 11 submissions from 11 submitters: Benign (8). 3 of the submissions do not count toward it. Last evaluated 2026-02-03.

Conditions:
Retinal dystrophy. Also called: Inherited retinal dystrophy. Identifiers: Orphanet 71862, MedGen C0854723, MeSH D058499, MONDO:0019118, HP:0000556.
Retinitis pigmentosa (RP). Identifiers: Orphanet 791, MedGen C0035334, MeSH D012174, MONDO:0019200, OMIM 268000. Inheritance: Autosomal dominant, autosomal recessive and X linked inheritance.

Allele frequency attached by ClinVar (database versions not stated): 1000 Genomes Project 30x 0.10041; 1000 Genomes Project 0.10144; TOPMed 0.15192; gnomAD 0.15717 and 0.15775; ESP Exome Variant Server 0.17051; gnomAD exomes 0.17485 and 0.20655; ExAC 0.17515.
gnomAD v4.1: 325,427 of 1,614,032 alleles (20%); highest among the groups gnomAD compares: Middle Eastern, 24%; 36,061 homozygotes.

Submissions (11):

Labcorp Genetics (formerly Invitae), Labcorp
Classification: Benign. Last evaluated: 2026-02-03. Review status: criteria provided, single submitter. Criteria: Invitae Variant Classification Sherloc (09022015). Collection method: clinical testing. Allele origin: germline.

Blueprint Genetics
Classification: Benign. Last evaluated: 2024-11-27. Review status: criteria provided, single submitter. Criteria: ACMG Guidelines, 2015. Collection method: clinical testing. Allele origin: germline.

Dept Of Ophthalmology, Nagoya University
Classification: Benign for Retinal dystrophy. Last evaluated: 2023-10-01. Review status: criteria provided, single submitter. Criteria: Submitter's publication. Collection method: research. Allele origin: germline. Affected: yes.

Illumina Laboratory Services, Illumina
Classification: Benign for Retinitis pigmentosa. Last evaluated: 2017-04-27. Review status: criteria provided, single submitter. Criteria: ICSL Variant Classification Criteria 13 December 2019. Collection method: clinical testing. Allele origin: germline.
Comment: This variant was observed as part of a predisposition screen in an ostensibly healthy population. A literature search was performed for the gene, cDNA change, and amino acid change (where applicable). No publications were found based on this search. Allele frequency data from public databases was too high to be consistent with this variant causing disease. Therefore, this variant is classified as benign.

GeneDx
Classification: Benign. Last evaluated: 2015-03-03. Review status: criteria provided, single submitter. Criteria: GeneDx Variant Classification Process June 2021. Collection method: clinical testing. Allele origin: germline. Affected: yes.

Eurofins Ntd Llc (ga)
Classification: Benign. Last evaluated: 2014-04-16. Review status: criteria provided, single submitter. Criteria: EGL Classification Definitions 2015. Collection method: clinical testing. Allele origin: germline. Observed: 2 variant alleles, 2 heterozygotes.

Breakthrough Genomics
Classification: Benign. Review status: criteria provided, single submitter. Criteria: ACMG Guidelines, 2015. Collection method: not provided. Allele origin: germline. Inheritance: Autosomal dominant inheritance. Affected: yes.

PreventionGenetics, part of Exact Sciences
Classification: Benign. Review status: criteria provided, single submitter. Criteria: ACMG Guidelines, 2015. Collection method: clinical testing. Allele origin: germline.

Clinical Genetics DNA and cytogenetics Diagnostics Lab, Erasmus MC, Erasmus Medical Center
Classification: Benign. Review status: no assertion criteria provided. Collection method: clinical testing. Allele origin: germline. Affected: yes. Study: VKGL Data-share Consensus. Not counted in ClinVar's aggregate classification.

Joint Genome Diagnostic Labs from Nijmegen and Maastricht, Radboudumc and MUMC+
Classification: Benign. Review status: no assertion criteria provided. Collection method: clinical testing. Allele origin: germline. Affected: yes. Study: VKGL Data-share Consensus. Not counted in ClinVar's aggregate classification.

Retina International
No classification provided. Review status: no classification provided. Collection method: not provided. Allele origin: not provided. Not counted in ClinVar's aggregate classification.

NM_004183.4(BEST1):c.1557C>T (p.Ser519=)

Gene: BEST1 (bestrophin 1; plus strand). Cytogenetic location: 11q12.3.
Variant type: single nucleotide variant.
Coding change: c.1557C>T on transcript NM_004183.4 (MANE Select); coding-DNA position 1557, C replaced by T.
Protein change: p.Ser519=; no amino-acid change (serine 519 retained).
Molecular consequence: synonymous variant. On other transcripts: non-coding transcript variant (1).
Genome position (GRCh38, 1-based): chr11:61,962,711, C>T. VCF-style: chr11-61962711-C-T. GRCh37 (hg19) VCF-style: chr11-61730183-C-T.
Other names: c.1377C>T, p.Ser459= (NM_001139443.3, NM_001300787.2); c.1296C>T, p.Ser432= (NM_001300786.2); c.1239C>T, p.Ser413= (NM_001363591.3); c.*452C>T (NM_001363592.2); c.585C>T, p.Ser195= (NM_001363593.3).
Identifiers: ClinVar variation 99680 (VCV000099680.27), dbSNP rs1800008, ClinGen allele CA179799.